The following is an entry in ClinVar:

NM_000416.3(IFNGR1):c.-19A>G

Gene: IFNGR1 (interferon gamma receptor 1; minus strand). Cytogenetic location: 6q23.3.
Variant type: single nucleotide variant.
Coding change: c.-19A>G on transcript NM_000416.3 (MANE Select); 19 bases upstream of the start codon, A replaced by G.
Molecular consequence: 5 prime UTR variant.
Genome position (GRCh38, 1-based): chr6:137,219,346, T>C on the plus strand (A>G on the coding strand, the complement: IFNGR1 is on the minus strand). VCF-style: chr6-137219346-T-C. GRCh37 (hg19) VCF-style: chr6-137540483-T-C.
Identifiers: ClinVar variation 2682630 (VCV002682630.1), dbSNP rs372372230, ClinGen allele CA4019122.

ClinVar aggregate classification (germline): Uncertain significance (1 of 4 stars; one submission).

Allele frequency attached by ClinVar (database versions not stated): TOPMed 0.00011; ESP Exome Variant Server 0.00015; gnomAD exomes 0.00023; gnomAD 0.00032; ExAC 0.00039.
gnomAD v4.1: 372 of 1,592,910 alleles (0.023%); highest among the groups gnomAD compares: East Asian, 0.025%; no homozygotes.

Submission:

Women's Health and Genetics/Laboratory Corporation of America, LabCorp
Classification: Uncertain significance. Last evaluated: 2023-11-20. Review status: criteria provided, single submitter. Criteria: LabCorp Variant Classification Summary - May 2015. Collection method: clinical testing. Allele origin: germline.
Comment: Variant summary: IFNGR1 c.-19A>G is located in the untranslated mRNA region upstream of the initiation codon. The variant allele was found at a frequency of 0.00028 in 208086 control chromosomes (gnomAD). To our knowledge, no occurrence of c.-19A>G in individuals affected with Interferon Gamma Receptor Deficiency and no experimental evidence demonstrating its impact on protein function have been reported. No submitters have cited clinical-significance assessments for this variant to ClinVar after 2014. Based on the evidence outlined above, the variant was classified as uncertain significance.